The following is an entry in ClinVar:

ClinVar aggregate classification (germline): Uncertain significance (1 of 4 stars; one submission).

Allele frequency attached by ClinVar (database versions not stated): TOPMed 0.00002.
gnomAD v4.1: 13 of 1,602,820 alleles (0.00081%); highest among the groups gnomAD compares: African/African-American, 0.0081%; no homozygotes.

Submission:

Labcorp Genetics (formerly Invitae), Labcorp
Classification: Uncertain significance. Last evaluated: 2024-08-05. Review status: criteria provided, single submitter. Criteria: Invitae Variant Classification Sherloc (09022015). Collection method: clinical testing. Allele origin: germline.
Comment: This sequence change replaces isoleucine, which is neutral and non-polar, with threonine, which is neutral and polar, at codon 396 of the JAK2 protein (p.Ile396Thr). This variant is present in population databases (no rsID available, gnomAD 0.004%). This variant has not been reported in the literature in individuals affected with JAK2-related conditions. Advanced modeling of protein sequence and biophysical properties (such as structural, functional, and spatial information, amino acid conservation, physicochemical variation, residue mobility, and thermodynamic stability) performed at Invitae indicates that this missense variant is not expected to disrupt JAK2 protein function with a negative predictive value of 80%. In summary, the available evidence is currently insufficient to determine the role of this variant in disease. Therefore, it has been classified as a Variant of Uncertain Significance.

NM_004972.4(JAK2):c.1187T>C (p.Ile396Thr)

Genes: INSL6 (insulin like 6; minus strand), JAK2 (Janus kinase 2; plus strand). Cytogenetic location: 9p24.1.
Variant type: single nucleotide variant.
Coding change: c.1187T>C on transcript NM_004972.4 (MANE Select); coding-DNA position 1187, T replaced by C.
Protein change: p.Ile396Thr; replaces isoleucine 396 with threonine.
Molecular consequence: missense variant. On other transcripts: 5 prime UTR variant (2), non-coding transcript variant (2).
Genome position (GRCh38, 1-based): chr9:5,065,013, T>C. VCF-style: chr9-5065013-T-C. GRCh37 (hg19) VCF-style: chr9-5065013-T-C.
Other names: c.1187T>C, p.Ile396Thr (NM_001322194.2, NM_001322195.2, NM_001322196.2); c.-29T>C (NM_001322198.2, NM_001322199.2); c.740T>C, p.Ile247Thr (NM_001322204.2); short protein forms I396T, I247T.
Identifiers: ClinVar variation 2918974 (VCV002918974.3), dbSNP rs1046989645, ClinGen allele CA188420205.